The following is an entry in ClinVar:

ClinVar aggregate classification (germline): Uncertain significance (1 of 4 stars; one submission).

Conditions:
Ataxia-telangiectasia-like disorder (ATLD). Identifiers: MedGen C1858391, MONDO:0011457.

Submission:

Labcorp Genetics (formerly Invitae), Labcorp
Classification: Uncertain significance for Ataxia-telangiectasia-like disorder. Last evaluated: 2022-10-13. Review status: criteria provided, single submitter. Criteria: Invitae Variant Classification Sherloc (09022015). Collection method: clinical testing. Allele origin: germline.
Comment: This sequence change falls in intron 19 of the MRE11 gene. It does not directly change the encoded amino acid sequence of the MRE11 protein. It affects a nucleotide within the consensus splice site. This variant is not present in population databases (gnomAD no frequency). This variant has not been reported in the literature in individuals affected with MRE11-related conditions. ClinVar contains an entry for this variant (Variation ID: 1681545). Variants that disrupt the consensus splice site are a relatively common cause of aberrant splicing (PMID: 17576681, 9536098). Algorithms developed to predict the effect of sequence changes on RNA splicing suggest that this variant may disrupt the consensus splice site. In summary, the available evidence is currently insufficient to determine the role of this variant in disease. Therefore, it has been classified as a Variant of Uncertain Significance.

Literature cited by the submitters: PubMed 17576681; PubMed 9536098.

NM_005591.4(MRE11):c.2071-3C>A

Gene: MRE11 (MRE11 double strand break repair nuclease; minus strand). Cytogenetic location: 11q21.
Variant type: single nucleotide variant.
Coding change: c.2071-3C>A on transcript NM_005591.4 (MANE Select); 3 bases into the intron before coding-DNA position 2071, C replaced by A.
Molecular consequence: intron variant.
Genome position (GRCh38, 1-based): chr11:94,420,184, G>T on the plus strand (C>A on the coding strand, the complement: MRE11 is on the minus strand). VCF-style: chr11-94420184-G-T. GRCh37 (hg19) VCF-style: chr11-94153350-G-T.
Other names: c.2068-3C>A (NM_001330347.2); c.1987-3C>A (NM_005590.4).
Identifiers: ClinVar variation 1681545 (VCV001681545.6), dbSNP rs2134733900, ClinGen allele CA2573147835.